The following is an entry in ClinVar:

ClinVar aggregate classification (germline): Uncertain significance (1 of 4 stars; one submission).

Conditions:
Familial thoracic aortic aneurysm and aortic dissection (TAAD). Also called: Thoracic aortic aneurysms and dissections. Identifiers: Orphanet 91387, MedGen C4707243, MONDO:0019625.

gnomAD v4.1: 1 of 1,191,975 alleles (0.000084%); highest among the groups gnomAD compares: South Asian, 0.0018%; no homozygotes.

Submission:

Ambry Genetics
Classification: Uncertain significance for Familial thoracic aortic aneurysm and aortic dissection. Last evaluated: 2026-05-03. Review status: criteria provided, single submitter. Criteria: Ambry Variant Classification Scheme 2023. Collection method: clinical testing. Allele origin: germline.
Comment: The p.E2298D variant (also known as c.6894A>T), located in coding exon 41 of the FLNA gene, results from an A to T substitution at nucleotide position 6894. The glutamic acid at codon 2298 is replaced by aspartic acid, an amino acid with highly similar properties. This amino acid position is conserved. In addition, the in silico prediction for this alteration is inconclusive. Based on the available evidence, the clinical significance of this variant remains unclear.

NM_001110556.2(FLNA):c.6918A>T (p.Glu2306Asp)

Gene: FLNA (filamin A; minus strand). Cytogenetic location: Xq28.
Variant type: single nucleotide variant.
Coding change: c.6918A>T on transcript NM_001110556.2 (MANE Select); coding-DNA position 6918, A replaced by T.
Protein change: p.Glu2306Asp; replaces glutamic acid 2306 with aspartic acid.
Molecular consequence: missense variant.
Genome position (GRCh38, 1-based): chrX:154,351,686, T>A on the plus strand (A>T on the coding strand, the complement: FLNA is on the minus strand). VCF-style: chrX-154351686-T-A. GRCh37 (hg19) VCF-style: chrX-153580054-T-A.
Other names: c.6894A>T, p.Glu2298Asp (NM_001456.4); short protein forms E2298D, E2306D.
Identifiers: ClinVar variation 4871438 (VCV004871438.1).